The following is an entry in ClinVar:

NM_020937.4(FANCM):c.4721T>G (p.Met1574Arg)

Gene: FANCM (FA complementation group M; plus strand). Cytogenetic location: 14q21.2.
Variant type: single nucleotide variant.
Coding change: c.4721T>G on transcript NM_020937.4 (MANE Select); coding-DNA position 4721, T replaced by G.
Protein change: p.Met1574Arg; replaces methionine 1574 with arginine.
Molecular consequence: missense variant.
Genome position (GRCh38, 1-based): chr14:45,187,829, T>G. VCF-style: chr14-45187829-T-G. GRCh37 (hg19) VCF-style: chr14-45657032-T-G.
Other names: c.4643T>G, p.Met1548Arg (NM_001308133.2); short protein forms M1548R, M1574R.
Identifiers: ClinVar variation 2808294 (VCV002808294.3), dbSNP rs2503238477, ClinGen allele CA389609944.

ClinVar aggregate classification (germline): Uncertain significance (1 of 4 stars; one submission).

Conditions:
Fanconi anemia (FA). Also called: Fanconi's anemia. Identifiers: Orphanet 84, MedGen C0015625, MeSH D005199, MONDO:0019391.

Submission:

Labcorp Genetics (formerly Invitae), Labcorp
Classification: Uncertain significance for Fanconi anemia. Last evaluated: 2022-10-12. Review status: criteria provided, single submitter. Criteria: Invitae Variant Classification Sherloc (09022015). Collection method: clinical testing. Allele origin: germline.
Comment: In summary, the available evidence is currently insufficient to determine the role of this variant in disease. Therefore, it has been classified as a Variant of Uncertain Significance. This sequence change replaces methionine, which is neutral and non-polar, with arginine, which is basic and polar, at codon 1574 of the FANCM protein (p.Met1574Arg). This variant is not present in population databases (gnomAD no frequency). This variant has not been reported in the literature in individuals affected with FANCM-related conditions. Algorithms developed to predict the effect of missense changes on protein structure and function are either unavailable or do not agree on the potential impact of this missense change (SIFT: "Deleterious"; PolyPhen-2: "Possibly Damaging"; Align-GVGD: "Class C0").